The following is an entry in ClinVar:

NM_003190.5(TAPBP):c.800G>A (p.Gly267Asp)

Gene: TAPBP (TAP binding protein; minus strand). Cytogenetic location: 6p21.32.
Variant type: single nucleotide variant.
Coding change: c.800G>A on transcript NM_003190.5 (MANE Select); coding-DNA position 800, G replaced by A.
Protein change: p.Gly267Asp; replaces glycine 267 with aspartic acid.
Molecular consequence: missense variant.
Genome position (GRCh38, 1-based): chr6:33,305,057, C>T on the plus strand (G>A on the coding strand, the complement: TAPBP is on the minus strand). VCF-style: chr6-33305057-C-T. GRCh37 (hg19) VCF-style: chr6-33272834-C-T.
Other names: c.800G>A, p.Gly267Asp (NM_001410875.1, NM_172208.3); c.539G>A, p.Gly180Asp (NM_172209.3); short protein forms G180D, G267D.
Identifiers: ClinVar variation 4769459 (VCV004769459.1).

ClinVar aggregate classification (germline): Uncertain significance (1 of 4 stars; one submission).

Conditions:
MHC class I deficiency. Identifiers: Orphanet 34592, MedGen C6024714, MONDO:0011476.

Submission:

Labcorp Genetics (formerly Invitae), Labcorp
Classification: Uncertain significance for MHC class I deficiency 1. Last evaluated: 2025-02-20. Review status: criteria provided, single submitter. Criteria: Invitae Variant Classification Sherloc (09022015). Collection method: clinical testing. Allele origin: germline.
Comment: This sequence change replaces glycine, which is neutral and non-polar, with aspartic acid, which is acidic and polar, at codon 267 of the TAPBP protein (p.Gly267Asp). This variant is not present in population databases (gnomAD no frequency). This variant has not been reported in the literature in individuals affected with TAPBP-related conditions. An algorithm developed to predict the effect of missense changes on protein structure and function (PolyPhen-2) suggests that this variant is likely to be disruptive. In summary, the available evidence is currently insufficient to determine the role of this variant in disease. Therefore, it has been classified as a Variant of Uncertain Significance.